The following is an entry in ClinVar:

NM_000257.4(MYH7):c.3270C>T (p.Leu1090=)

Gene: MYH7 (myosin heavy chain 7; minus strand). Cytogenetic location: 14q11.2.
Variant type: single nucleotide variant.
Coding change: c.3270C>T on transcript NM_000257.4 (MANE Select); coding-DNA position 3270, C replaced by T.
Protein change: p.Leu1090=; no amino-acid change (leucine 1090 retained).
Molecular consequence: synonymous variant.
Genome position (GRCh38, 1-based): chr14:23,421,024, G>A on the plus strand (C>T on the coding strand, the complement: MYH7 is on the minus strand). VCF-style: chr14-23421024-G-A. GRCh37 (hg19) VCF-style: chr14-23890233-G-A.
Identifiers: ClinVar variation 188623 (VCV000188623.17), dbSNP rs760840698, ClinGen allele CA013520.

ClinVar aggregate classification (germline): Likely benign. Review status: criteria provided, multiple submitters, no conflicts (2 of 4 stars). 6 submissions from 6 submitters: Likely benign (4). 2 of the submissions do not count toward it. Last evaluated 2025-10-07.

Conditions:
Cardiovascular phenotype. Identifiers: MedGen CN230736.
Cardiomyopathy (CMYO). Also called: Cardiomyopathies. Identifiers: Orphanet 167848, MedGen C0878544, MONDO:0004994, HP:0001638. Inheritance: Various modes of inheritance.
Hypertrophic cardiomyopathy. Also called: HYPERTROPHIC MYOCARDIOPATHY. Identifiers: Orphanet 217569, MedGen C0007194, MeSH D002312, MONDO:0005045, HP:0001639.

Allele frequency attached by ClinVar (database versions not stated): gnomAD exomes below 0.00001 and 0.00001; ExAC 0.00001; gnomAD 0.00004; TOPMed 0.00008.

Submissions (6):

Labcorp Genetics (formerly Invitae), Labcorp
Classification: Likely benign for Hypertrophic cardiomyopathy. Last evaluated: 2025-10-07. Review status: criteria provided, single submitter. Criteria: Invitae Variant Classification Sherloc (09022015). Collection method: clinical testing. Allele origin: germline.

All of Us Research Program, National Institutes of Health
Classification: Likely benign for Cardiomyopathy. Last evaluated: 2024-07-20. Review status: criteria provided, single submitter. Criteria: ACMG Guidelines, 2015. Collection method: clinical testing. Allele origin: germline. Inheritance: Autosomal dominant inheritance. Observed: 4 variant alleles, 4 heterozygotes.
Comment: This study involves interpretation of variants in research participants for the purpose of population health screening. Participant phenotype was not available at the time of variant classification. Additional details can be found in publication PMID: 35346344, PMCID: PMC8962531

Ambry Genetics
Classification: Likely benign for Cardiovascular phenotype. Last evaluated: 2019-04-27. Review status: criteria provided, single submitter. Criteria: Ambry Variant Classification Scheme 2023. Collection method: clinical testing. Allele origin: germline.

Color Diagnostics, LLC DBA Color Health
Classification: Likely benign for Cardiomyopathy. Last evaluated: 2019-02-21. Review status: criteria provided, single submitter. Criteria: ACMG Guidelines, 2015. Collection method: clinical testing. Allele origin: germline.

Clinical Genetics, Academic Medical Center
Classification: Benign. Review status: no assertion criteria provided. Collection method: clinical testing. Allele origin: germline. Affected: yes. Study: VKGL Data-share Consensus. Not counted in ClinVar's aggregate classification.

Laboratory of Diagnostic Genome Analysis, Leiden University Medical Center (LUMC)
Classification: Likely benign. Review status: no assertion criteria provided. Collection method: clinical testing. Allele origin: germline. Affected: yes. Study: VKGL Data-share Consensus. Not counted in ClinVar's aggregate classification.